The following is an entry in ClinVar:

NM_001170629.2(CHD8):c.4430G>A (p.Arg1477Gln)

Gene: CHD8 (chromodomain helicase DNA binding protein 8; minus strand). Cytogenetic location: 14q11.2.
Variant type: single nucleotide variant.
Coding change: c.4430G>A on transcript NM_001170629.2 (MANE Select); coding-DNA position 4430, G replaced by A.
Protein change: p.Arg1477Gln; replaces arginine 1477 with glutamine.
Molecular consequence: missense variant.
Genome position (GRCh38, 1-based): chr14:21,400,553, C>T on the plus strand (G>A on the coding strand, the complement: CHD8 is on the minus strand). VCF-style: chr14-21400553-C-T. GRCh37 (hg19) VCF-style: chr14-21868712-C-T.
Other names: c.3593G>A, p.Arg1198Gln (NM_020920.4); short protein forms R1477Q, R1198Q.
Identifiers: ClinVar variation 3701368 (VCV003701368.2).

ClinVar aggregate classification (germline): Uncertain significance (1 of 4 stars; one submission).

gnomAD v4.1: 7 of 1,611,888 alleles (0.00043%); highest among the groups gnomAD compares: South Asian, 0.0011%; no homozygotes.

Submission:

Labcorp Genetics (formerly Invitae), Labcorp
Classification: Uncertain significance. Last evaluated: 2024-09-08. Review status: criteria provided, single submitter. Criteria: Invitae Variant Classification Sherloc (09022015). Collection method: clinical testing. Allele origin: germline.
Comment: This sequence change replaces arginine, which is basic and polar, with glutamine, which is neutral and polar, at codon 1477 of the CHD8 protein (p.Arg1477Gln). This variant is present in population databases (rs752291265, gnomAD 0.002%). This variant has not been reported in the literature in individuals affected with CHD8-related conditions. An algorithm developed to predict the effect of missense changes on protein structure and function (PolyPhen-2) suggests that this variant is likely to be disruptive. In summary, the available evidence is currently insufficient to determine the role of this variant in disease. Therefore, it has been classified as a Variant of Uncertain Significance.